The following is an entry in ClinVar:

NM_198428.3(BBS9):c.2298+5G>A

Gene: BBS9 (Bardet-Biedl syndrome 9; plus strand). Cytogenetic location: 7p14.3.
Variant type: single nucleotide variant.
Coding change: c.2298+5G>A on transcript NM_198428.3 (MANE Select); 5 bases into the intron after coding-DNA position 2298, G replaced by A.
Molecular consequence: intron variant.
Genome position (GRCh38, 1-based): chr7:33,505,650, G>A. VCF-style: chr7-33505650-G-A. GRCh37 (hg19) VCF-style: chr7-33545262-G-A.
Other names: c.2298+5G>A (NM_001348036.1, NM_001362679.1, NM_001348041.4 and 1 more transcripts); c.2025+5G>A (NM_001348038.3); c.1920+5G>A (NM_001348039.3); c.2283+5G>A (NM_001033605.2); c.2193+5G>A (NM_001033604.2); c.2178+5G>A (NM_014451.4, NM_001348040.3); c.1750-28304G>A (NM_001348037.3); c.2163+5G>A (NM_001348042.3); and 2 more.
Identifiers: ClinVar variation 938592 (VCV000938592.8), dbSNP rs1846053369, ClinGen allele CA1139660027.

ClinVar aggregate classification (germline): Uncertain significance. Review status: criteria provided, multiple submitters, no conflicts (2 of 4 stars). 2 submissions from 2 submitters: Uncertain significance (2). Last evaluated 2025-05-16.

Conditions:
BBS9-related disorder. Also called: BBS9-related condition.
Bardet-Biedl syndrome (BBS). Identifiers: Orphanet 110, MedGen C0752166, MONDO:0015229.

Submissions (2):

PreventionGenetics, part of Exact Sciences
Classification: Uncertain significance for BBS9-related condition. Last evaluated: 2025-05-16. Review status: criteria provided, single submitter. Criteria: ACMG Guidelines, 2015. Collection method: clinical testing. Allele origin: germline.
Comment: The BBS9 c.2298+5G>A variant is predicted to interfere with splicing. This variant is predicted to impact splicing based on splicing prediction programs (SpliceAI, Jaganathan et al. 2019. PubMed ID: 30661751). To our knowledge, this variant has not been reported in the literature or in a large population database (gnomAD), indicating this variant is rare. At this time, the clinical significance of this variant is uncertain due to the absence of conclusive functional and genetic evidence.

Labcorp Genetics (formerly Invitae), Labcorp
Classification: Uncertain significance for Bardet-Biedl syndrome. Last evaluated: 2019-09-11. Review status: criteria provided, single submitter. Criteria: Invitae Variant Classification Sherloc (09022015). Collection method: clinical testing. Allele origin: germline.
Comment: In summary, the available evidence is currently insufficient to determine the role of this variant in disease. Therefore, it has been classified as a Variant of Uncertain Significance. Nucleotide substitutions within the consensus splice site are a relatively common cause of aberrant splicing (PMID: 17576681, 9536098). Algorithms developed to predict the effect of sequence changes on RNA splicing suggest that this variant may disrupt the consensus splice site, but this prediction has not been confirmed by published transcriptional studies. This variant has not been reported in the literature in individuals with BBS9-related conditions. This variant is not present in population databases (ExAC no frequency). This sequence change falls in intron 20 of the BBS9 gene. It does not directly change the encoded amino acid sequence of the BBS9 protein, but it affects a nucleotide within the consensus splice site of the intron.

Literature cited by the submitters: PubMed 17576681 (cited by Labcorp Genetics (formerly Invitae), Labcorp); PubMed 9536098 (cited by Labcorp Genetics (formerly Invitae), Labcorp).